The following is an entry in ClinVar:

NM_002473.6(MYH9):c.4324A>C (p.Lys1442Gln)

Gene: MYH9 (myosin heavy chain 9; minus strand). Cytogenetic location: 22q12.3.
Variant type: single nucleotide variant.
Coding change: c.4324A>C on transcript NM_002473.6 (MANE Select); coding-DNA position 4324, A replaced by C.
Protein change: p.Lys1442Gln; replaces lysine 1442 with glutamine.
Molecular consequence: missense variant.
Genome position (GRCh38, 1-based): chr22:36,292,006, T>G on the plus strand (A>C on the coding strand, the complement: MYH9 is on the minus strand). VCF-style: chr22-36292006-T-G. GRCh37 (hg19) VCF-style: chr22-36688052-T-G.
Other names: short protein forms K1442Q.
Identifiers: ClinVar variation 4704222 (VCV004704222.1).

ClinVar aggregate classification (germline): Uncertain significance (1 of 4 stars; one submission).

gnomAD v4.1: 1 of 1,614,188 alleles (0.000062%); highest among the groups gnomAD compares: Non-Finnish European, 0.000085%; no homozygotes.

Submission:

Labcorp Genetics (formerly Invitae), Labcorp
Classification: Uncertain significance. Last evaluated: 2025-02-27. Review status: criteria provided, single submitter. Criteria: Invitae Variant Classification Sherloc (09022015). Collection method: clinical testing. Allele origin: germline.
Comment: This sequence change replaces lysine, which is basic and polar, with glutamine, which is neutral and polar, at codon 1442 of the MYH9 protein (p.Lys1442Gln). This variant is not present in population databases (gnomAD no frequency). This variant has not been reported in the literature in individuals affected with MYH9-related conditions. Invitae Evidence Modeling of protein sequence and biophysical properties (such as structural, functional, and spatial information, amino acid conservation, physicochemical variation, residue mobility, and thermodynamic stability) indicates that this missense variant is not expected to disrupt MYH9 protein function with a negative predictive value of 80%. In summary, the available evidence is currently insufficient to determine the role of this variant in disease. Therefore, it has been classified as a Variant of Uncertain Significance.